The following is an entry in ClinVar:

NM_003072.5(SMARCA4):c.-31-6T>C

Gene: SMARCA4 (SWI/SNF related BAF chromatin remodeling complex subunit ATPase 4; plus strand). Cytogenetic location: 19p13.2.
Variant type: single nucleotide variant.
Coding change: c.-31-6T>C on transcript NM_003072.5 (MANE Select); 6 bases into the intron before 31 bases upstream of the start codon, T replaced by C.
Molecular consequence: intron variant.
Genome position (GRCh38, 1-based): chr19:10,984,115, T>C. VCF-style: chr19-10984115-T-C. GRCh37 (hg19) VCF-style: chr19-11094791-T-C.
Other names: c.-31-6T>C (NM_001128844.3, NM_001128849.3, NM_001128847.4); c.-28-9T>C (NM_001387283.1, NM_001374457.1).
Identifiers: ClinVar variation 1692587 (VCV001692587.1), dbSNP rs1599927664, ClinGen allele CA993506311.
Genomic context (GRCh38, chr19:10,984,115, plus strand): 5'-CCTTGCTATCCCTGTCCTGCCTCGCCCTTGGTCATGAACCCCAGACTGACCAGGACTGTC[T>C]TCCAGCAGGAGGCCACTGTCTGCAGCTCCCGTGAAGATGTCCACTCCAGACCCACCCCTG-3'

ClinVar aggregate classification (germline): Uncertain significance (1 of 4 stars; one submission).

Conditions:
Hereditary cancer-predisposing syndrome. Also called: Hereditary Cancer Syndrome; Hereditary neoplastic syndrome; Neoplastic Syndromes, Hereditary; Tumor predisposition. Identifiers: Orphanet 140162, MedGen C0027672, MeSH D009386, MONDO:0015356.

Allele frequency attached by ClinVar (database versions not stated): gnomAD exomes below 0.00001; gnomAD 0.00001; TOPMed 0.00001.
gnomAD v4.1: 9 of 1,613,142 alleles (0.00056%); highest among the groups gnomAD compares: Non-Finnish European, 0.00059%; no homozygotes.

Submission:

Sema4
Classification: Uncertain significance for Hereditary cancer-predisposing syndrome. Last evaluated: 2022-02-15. Review status: criteria provided, single submitter. Criteria: Sema4 Curation Guidelines. Collection method: curation. Allele origin: germline.
Comment: The SMARCA4 c.-31-6T>C variant has not been reported in the literature to our knowledge. This variant was not reported in the population database Genome Aggregation Database (PMID: 32461654). This variant has not been reported in ClinVar. In silico tools suggest that the variant does not impact splicing, though these predictions have not been confirmed by functional studies. The evidence is insufficient to meet ACMG/AMP criteria for classifying the variant as benign or pathogenic. Thus, the clinical significance of this variant is currently uncertain.